The following is an entry in ClinVar:

ClinVar aggregate classification (germline): Uncertain significance (1 of 4 stars; one submission).

Submission:

Ambry Genetics
Classification: Uncertain significance. Last evaluated: 2022-01-18. Review status: criteria provided, single submitter. Criteria: Ambry Variant Classification Scheme 2023. Collection method: clinical testing. Allele origin: germline.
Comment: The p.D331A variant (also known as c.992A>C), located in coding exon 9 of the FAM175A gene, results from an A to C substitution at nucleotide position 992. The aspartic acid at codon 331 is replaced by alanine, an amino acid with dissimilar properties. This amino acid position is conserved. In addition, this alteration is predicted to be tolerated by in silico analysis. Since supporting evidence is limited at this time, the clinical significance of this alteration remains unclear.

NM_139076.3(ABRAXAS1):c.992A>C (p.Asp331Ala)

Gene: ABRAXAS1 (abraxas 1, BRCA1 A complex subunit; minus strand). Cytogenetic location: 4q21.23.
Variant type: single nucleotide variant.
Coding change: c.992A>C on transcript NM_139076.3 (MANE Select); coding-DNA position 992, A replaced by C.
Protein change: p.Asp331Ala; replaces aspartic acid 331 with alanine.
Molecular consequence: missense variant.
Genome position (GRCh38, 1-based): chr4:83,462,707, T>G on the plus strand (A>C on the coding strand, the complement: ABRAXAS1 is on the minus strand). VCF-style: chr4-83462707-T-G. GRCh37 (hg19) VCF-style: chr4-84383860-T-G.
Other names: c.665A>C, p.Asp222Ala (NM_001345962.2); short protein forms D222A, D331A.
Identifiers: ClinVar variation 1799770 (VCV001799770.2), dbSNP rs2529418583, ClinGen allele CA357255592.